The following is an entry in ClinVar:

ClinVar aggregate classification (germline): Uncertain significance (1 of 4 stars; one submission).

Submission:

GeneDx
Classification: Uncertain significance. Last evaluated: 2025-05-19. Review status: criteria provided, single submitter. Criteria: GeneDx Variant Classification Process June 2021. Collection method: clinical testing. Allele origin: germline. Affected: yes.
Comment: Not observed at significant frequency in large population cohorts (gnomAD); In silico analysis suggests that this missense variant does not alter protein structure/function; Has not been previously published as pathogenic or benign to our knowledge

NM_014365.3(HSPB8):c.244C>T (p.Pro82Ser)

Gene: HSPB8 (heat shock protein family B (small) member 8; plus strand). Cytogenetic location: 12q24.23.
Variant type: single nucleotide variant.
Coding change: c.244C>T on transcript NM_014365.3 (MANE Select); coding-DNA position 244, C replaced by T.
Protein change: p.Pro82Ser; replaces proline 82 with serine.
Molecular consequence: missense variant.
Genome position (GRCh38, 1-based): chr12:119,179,556, C>T. VCF-style: chr12-119179556-C-T. GRCh37 (hg19) VCF-style: chr12-119617361-C-T.
Other names: short protein forms P82S.
Identifiers: ClinVar variation 4531038 (VCV004531038.1).